The following is an entry in ClinVar:

ClinVar aggregate classification (germline): Uncertain significance. Review status: criteria provided, multiple submitters, no conflicts (2 of 4 stars). 2 submissions from 2 submitters: Uncertain significance (2). Last evaluated 2025-03-03.

Conditions:
Early Myoclonic Encephalopathy. Identifiers: MedGen C0270855.

Allele frequency attached by ClinVar (database versions not stated): gnomAD exomes 0.00001 and 0.00002; gnomAD 0.00002; ExAC 0.00003; TOPMed 0.00003.
gnomAD v4.1: 13 of 1,594,092 alleles (0.00082%); highest among the groups gnomAD compares: African/African-American, 0.018%; no homozygotes.

Submissions (2):

Ambry Genetics
Classification: Uncertain significance. Last evaluated: 2025-03-03. Review status: criteria provided, single submitter. Criteria: Ambry Variant Classification Scheme 2023. Collection method: clinical testing. Allele origin: germline.

Labcorp Genetics (formerly Invitae), Labcorp
Classification: Uncertain significance for Early Myoclonic Encephalopathy. Last evaluated: 2023-08-17. Review status: criteria provided, single submitter. Criteria: Invitae Variant Classification Sherloc (09022015). Collection method: clinical testing. Allele origin: germline.
Comment: In summary, the available evidence is currently insufficient to determine the role of this variant in disease. Therefore, it has been classified as a Variant of Uncertain Significance. Advanced modeling of protein sequence and biophysical properties (such as structural, functional, and spatial information, amino acid conservation, physicochemical variation, residue mobility, and thermodynamic stability) performed at Invitae indicates that this missense variant is expected to disrupt JMJD1C protein function. ClinVar contains an entry for this variant (Variation ID: 958285). This variant has not been reported in the literature in individuals affected with JMJD1C-related conditions. This variant is present in population databases (rs773278691, gnomAD 0.03%). This sequence change replaces histidine, which is basic and polar, with aspartic acid, which is acidic and polar, at codon 2328 of the JMJD1C protein (p.His2328Asp).

NM_032776.3(JMJD1C):c.6982C>G (p.His2328Asp)

Gene: JMJD1C (jumonji domain containing 1C; minus strand). Cytogenetic location: 10q21.3.
Variant type: single nucleotide variant.
Coding change: c.6982C>G on transcript NM_032776.3 (MANE Select); coding-DNA position 6982, C replaced by G.
Protein change: p.His2328Asp; replaces histidine 2328 with aspartic acid.
Molecular consequence: missense variant. On other transcripts: non-coding transcript variant (1).
Genome position (GRCh38, 1-based): chr10:63,183,549, G>C on the plus strand (C>G on the coding strand, the complement: JMJD1C is on the minus strand). VCF-style: chr10-63183549-G-C. GRCh37 (hg19) VCF-style: chr10-64943309-G-C.
Other names: c.6436C>G, p.His2146Asp (NM_001282948.2, NM_001318154.2); c.6118C>G, p.His2040Asp (NM_001318153.2); c.6868C>G, p.His2290Asp (NM_001322252.2); c.6325C>G, p.His2109Asp (NM_001322254.2, NM_001322258.2); c.6982C>G (NM_032776.1); short protein forms H2146D, H2328D, H2040D, H2109D, H2290D.
Identifiers: ClinVar variation 958285 (VCV000958285.10), dbSNP rs773278691, ClinGen allele CA5517739.